The following is an entry in ClinVar:

NM_201384.3(PLEC):c.4990A>C (p.Lys1664Gln)

Gene: PLEC (plectin; minus strand). Cytogenetic location: 8q24.3.
Variant type: single nucleotide variant.
Coding change: c.4990A>C on transcript NM_201384.3 (MANE Select); coding-DNA position 4990, A replaced by C.
Protein change: p.Lys1664Gln; replaces lysine 1664 with glutamine.
Molecular consequence: missense variant. On other transcripts: intron variant (1).
Genome position (GRCh38, 1-based): chr8:143,924,939, T>G on the plus strand (A>C on the coding strand, the complement: PLEC is on the minus strand). VCF-style: chr8-143924939-T-G. GRCh37 (hg19) VCF-style: chr8-144999107-T-G.
Other names: c.5071A>C, p.Lys1691Gln (NM_000445.5); c.4948A>C, p.Lys1650Gln (NM_201378.4); c.4924A>C, p.Lys1642Gln (NM_201379.3); c.5401A>C, p.Lys1801Gln (NM_201380.4); c.4894A>C, p.Lys1632Gln (NM_201381.3); c.4990A>C, p.Lys1664Gln (NM_201382.4); c.5002A>C, p.Lys1668Gln (NM_201383.3); c.4125+1845A>C (NM_001410941.1); short protein forms K1650Q, K1691Q, K1632Q, K1664Q, K1801Q, K1642Q, K1668Q.
Identifiers: ClinVar variation 4992792 (VCV004992792.1).

ClinVar aggregate classification (germline): Uncertain significance (1 of 4 stars; one submission).

Conditions:
PLEC-related disorder. Also called: PLEC-related condition; PLEC-related disorders.

Submission:

PreventionGenetics, part of Exact Sciences
Classification: Uncertain significance for PLEC-related condition. Last evaluated: 2026-05-12. Review status: criteria provided, single submitter. Criteria: ACMG Guidelines, 2015. Collection method: clinical testing. Allele origin: germline.
Comment: The PLEC c.5071A>C variant is predicted to result in the amino acid substitution p.Lys1691Gln. To our knowledge, this variant has not been reported in the literature or in a large population database (gnomAD), indicating this variant is rare. At this time, the clinical significance of this variant is uncertain due to the absence of conclusive functional and genetic evidence.